The following is an entry in ClinVar:

ClinVar aggregate classification (germline): Likely benign (1 of 4 stars; one submission).

Allele frequency attached by ClinVar (database versions not stated): gnomAD exomes 0.00005; gnomAD 0.00009; ExAC 0.00010; TOPMed 0.00011; ESP Exome Variant Server 0.00015.
gnomAD v4.1: 94 of 1,611,386 alleles (0.0058%); highest among the groups gnomAD compares: Middle Eastern, 0.099%; 1 homozygote.

Submission:

CeGaT Center for Human Genetics Tuebingen
Classification: Likely benign. Last evaluated: 2022-05-01. Review status: criteria provided, single submitter. Criteria: CeGaT Center For Human Genetics Tuebingen Variant Classification Criteria Version 2. Collection method: clinical testing. Allele origin: germline. Affected: yes. Observed: 1 variant allele.
Comment: ZNF746: BP4, BP7

NM_001394198.1(ZNF746):c.1245G>A (p.Gly415=)

Gene: ZNF746 (zinc finger protein 746; minus strand). Cytogenetic location: 7q36.1.
Variant type: single nucleotide variant.
Coding change: c.1245G>A on transcript NM_001394198.1 (MANE Select); coding-DNA position 1245, G replaced by A.
Protein change: p.Gly415=; no amino-acid change (glycine 415 retained).
Molecular consequence: synonymous variant.
Genome position (GRCh38, 1-based): chr7:149,475,122, C>T on the plus strand (G>A on the coding strand, the complement: ZNF746 is on the minus strand). VCF-style: chr7-149475122-C-T. GRCh37 (hg19) VCF-style: chr7-149172213-C-T.
Other names: c.1200G>A, p.Gly400= (NM_001163474.2); c.1242G>A, p.Gly414= (NM_001363517.2); c.1197G>A, p.Gly399= (NM_152557.5).
Identifiers: ClinVar variation 2658144 (VCV002658144.24), dbSNP rs143860643, ClinGen allele CA4552816.